The following is an entry in ClinVar:

NM_001184.4(ATR):c.1229A>T (p.Glu410Val)

Gene: ATR (ATR checkpoint kinase; minus strand). Cytogenetic location: 3q23.
Variant type: single nucleotide variant.
Coding change: c.1229A>T on transcript NM_001184.4 (MANE Select); coding-DNA position 1229, A replaced by T.
Protein change: p.Glu410Val; replaces glutamic acid 410 with valine.
Molecular consequence: missense variant.
Genome position (GRCh38, 1-based): chr3:142,561,363, T>A on the plus strand (A>T on the coding strand, the complement: ATR is on the minus strand). VCF-style: chr3-142561363-T-A. GRCh37 (hg19) VCF-style: chr3-142280205-T-A.
Other names: c.1229A>T, p.Glu410Val (NM_001354579.2); short protein forms E410V.
Identifiers: ClinVar variation 1000206 (VCV001000206.8), dbSNP rs2034871528, ClinGen allele CA354823372.

ClinVar aggregate classification (germline): Uncertain significance (1 of 4 stars; one submission).

Allele frequency attached by ClinVar (database versions not stated): gnomAD exomes below 0.00001.
gnomAD v4.1: 1 of 1,614,084 alleles (0.000062%); highest among the groups gnomAD compares: Non-Finnish European, 0.000085%; no homozygotes.

Submission:

Labcorp Genetics (formerly Invitae), Labcorp
Classification: Uncertain significance. Last evaluated: 2020-07-20. Review status: criteria provided, single submitter. Criteria: Invitae Variant Classification Sherloc (09022015). Collection method: clinical testing. Allele origin: germline.
Comment: This sequence change replaces glutamic acid with valine at codon 410 of the ATR protein (p.Glu410Val). The glutamic acid residue is moderately conserved and there is a moderate physicochemical difference between glutamic acid and valine. This variant is not present in population databases (ExAC no frequency). This variant has not been reported in the literature in individuals with ATR-related conditions. Algorithms developed to predict the effect of missense changes on protein structure and function are either unavailable or do not agree on the potential impact of this missense change (SIFT: "Deleterious"; PolyPhen-2: "Benign"; Align-GVGD: "Class C0"). Algorithms developed to predict the effect of sequence changes on RNA splicing suggest that this variant may create or strengthen a splice site, but this prediction has not been confirmed by published transcriptional studies. In summary, the available evidence is currently insufficient to determine the role of this variant in disease. Therefore, it has been classified as a Variant of Uncertain Significance.